The following is an entry in ClinVar:

NM_001367823.1(ARHGEF18):c.2971C>G (p.Arg991Gly)

Gene: ARHGEF18 (Rho/Rac guanine nucleotide exchange factor 18; plus strand). Cytogenetic location: 19p13.2.
Variant type: single nucleotide variant.
Coding change: c.2971C>G on transcript NM_001367823.1 (MANE Select); coding-DNA position 2971, C replaced by G.
Protein change: p.Arg991Gly; replaces arginine 991 with glycine.
Molecular consequence: missense variant.
Genome position (GRCh38, 1-based): chr19:7,467,080, C>G. VCF-style: chr19-7467080-C-G. GRCh37 (hg19) VCF-style: chr19-7531966-C-G.
Other names: c.2245C>G, p.Arg749Gly (NM_001130955.2); c.1933C>G, p.Arg645Gly (NM_001367824.1, NM_015318.4); short protein forms R749G, R991G, R645G.
Identifiers: ClinVar variation 1391703 (VCV001391703.7), dbSNP rs373629840, ClinGen allele CA403085920.
Genomic context (GRCh38, chr19:7,467,080, plus strand): 5'-CGTGTGGCCTCAGCCCGATAACTAGCATCAATCTCCCTCTCCTCTCCGCAGCTTGTCCAG[C>G]GGATCCAGACACTGTCCCAGCTGCTCCTGAACCTTCAGGTACAGGGGCGGGGTGGGGCCG-3'
Protein context (NP_001354752.1, residues 981-1001): PTVLESELVQ[Arg991Gly]IQTLSQLLLN

ClinVar aggregate classification (germline): Uncertain significance. Review status: criteria provided, multiple submitters, no conflicts (2 of 4 stars). 2 submissions from 2 submitters: Uncertain significance (2). Last evaluated 2022-02-23.

Submissions (2):

Labcorp Genetics (formerly Invitae), Labcorp
Classification: Uncertain significance. Last evaluated: 2022-02-23. Review status: criteria provided, single submitter. Criteria: Invitae Variant Classification Sherloc (09022015). Collection method: clinical testing. Allele origin: germline.
Comment: This variant has not been reported in the literature in individuals affected with ARHGEF18-related conditions. Algorithms developed to predict the effect of missense changes on protein structure and function (SIFT, PolyPhen-2, Align-GVGD) all suggest that this variant is likely to be disruptive. In summary, the available evidence is currently insufficient to determine the role of this variant in disease. Therefore, it has been classified as a Variant of Uncertain Significance. This sequence change replaces arginine, which is basic and polar, with glycine, which is neutral and non-polar, at codon 803 of the ARHGEF18 protein (p.Arg803Gly). This variant is not present in population databases (gnomAD no frequency).

Blueprint Genetics
Classification: Uncertain significance. Last evaluated: 2018-12-17. Review status: criteria provided, single submitter. Criteria: ACMG Guidelines, 2015. Collection method: clinical testing. Allele origin: germline.